The following is an entry in ClinVar:

ClinVar aggregate classification (germline): Uncertain significance (1 of 4 stars; one submission).

gnomAD v4.1: 1 of 1,614,070 alleles (0.000062%); highest among the groups gnomAD compares: Admixed American, 0.0017%; no homozygotes.

Submission:

Mayo Clinic Laboratories, Mayo Clinic
Classification: Uncertain significance. Last evaluated: 2024-05-07. Review status: criteria provided, single submitter. Criteria: ACMG Guidelines, 2015. Collection method: clinical testing. Allele origin: germline. Observed: 1 variant allele.
Comment: PM2

NM_201596.3(CACNB2):c.296C>G (p.Ala99Gly)

Gene: CACNB2 (calcium voltage-gated channel auxiliary subunit beta 2; plus strand). Cytogenetic location: 10p12.31.
Variant type: single nucleotide variant.
Coding change: c.296C>G on transcript NM_201596.3 (MANE Select); coding-DNA position 296, C replaced by G.
Protein change: p.Ala99Gly; replaces alanine 99 with glycine.
Molecular consequence: missense variant.
Genome position (GRCh38, 1-based): chr10:18,402,006, C>G. VCF-style: chr10-18402006-C-G. GRCh37 (hg19) VCF-style: chr10-18690935-C-G.
Other names: p.Ala45Gly; c.131C>G, p.Ala44Gly (NM_000724.4, NM_001330060.2); c.212C>G, p.Ala71Gly (NM_001167945.2, NM_201571.4, NM_201572.4); c.152C>G, p.Ala51Gly (NM_001410882.1, NM_201570.3); c.134C>G, p.Ala45Gly (NM_201590.3); c.296C>G, p.Ala99Gly (NM_201593.3, NM_201597.3); short protein forms A44G, A45G, A51G, A71G, A99G.
Identifiers: ClinVar variation 3379951 (VCV003379951.1).